The following is an entry in ClinVar:

ClinVar aggregate classification (germline): Uncertain significance (1 of 4 stars; one submission).

gnomAD v4.1: 1 of 1,609,308 alleles (0.000062%); highest among the groups gnomAD compares: African/African-American, 0.0013%; no homozygotes.

Submission:

Labcorp Genetics (formerly Invitae), Labcorp
Classification: Uncertain significance. Last evaluated: 2024-05-09. Review status: criteria provided, single submitter. Criteria: Invitae Variant Classification Sherloc (09022015). Collection method: clinical testing. Allele origin: germline.
Comment: This sequence change replaces glutamic acid, which is acidic and polar, with lysine, which is basic and polar, at codon 721 of the CACNA2D4 protein (p.Glu721Lys). This variant is not present in population databases (gnomAD no frequency). This variant has not been reported in the literature in individuals affected with CACNA2D4-related conditions. ClinVar contains an entry for this variant (Variation ID: 2092406). An algorithm developed to predict the effect of missense changes on protein structure and function (PolyPhen-2) suggests that this variant is likely to be disruptive. In summary, the available evidence is currently insufficient to determine the role of this variant in disease. Therefore, it has been classified as a Variant of Uncertain Significance.

NM_172364.5(CACNA2D4):c.2161G>A (p.Glu721Lys)

Gene: CACNA2D4 (calcium voltage-gated channel auxiliary subunit alpha2delta 4; minus strand). Cytogenetic location: 12p13.33.
Variant type: single nucleotide variant.
Coding change: c.2161G>A on transcript NM_172364.5 (MANE Select); coding-DNA position 2161, G replaced by A.
Protein change: p.Glu721Lys; replaces glutamic acid 721 with lysine.
Molecular consequence: missense variant.
Genome position (GRCh38, 1-based): chr12:1,854,036, C>T on the plus strand (G>A on the coding strand, the complement: CACNA2D4 is on the minus strand). VCF-style: chr12-1854036-C-T. GRCh37 (hg19) VCF-style: chr12-1963202-C-T.
Other names: short protein forms E721K.
Identifiers: ClinVar variation 2092406 (VCV002092406.4), dbSNP rs1326708063, ClinGen allele CA383361211.